The following is an entry in ClinVar:

NM_001370259.2(MEN1):c.494G>A (p.Cys165Tyr)

Gene: MEN1 (menin 1; minus strand). Cytogenetic location: 11q13.1.
Variant type: single nucleotide variant.
Coding change: c.494G>A on transcript NM_001370259.2 (MANE Select); coding-DNA position 494, G replaced by A.
Protein change: p.Cys165Tyr; replaces cysteine 165 with tyrosine.
Molecular consequence: missense variant.
Genome position (GRCh38, 1-based): chr11:64,808,051, C>T on the plus strand (G>A on the coding strand, the complement: MEN1 is on the minus strand). VCF-style: chr11-64808051-C-T. GRCh37 (hg19) VCF-style: chr11-64575523-C-T.
Other names: c.494G>A, p.Cys165Tyr (NM_001370260.2, NM_001370261.2, NM_001370262.2 and 3 more transcripts); c.509G>A, p.Cys170Tyr (NM_130800.3, NM_130801.3, NM_130802.3 and 3 more transcripts); short protein forms C165Y, C170Y.
Identifiers: ClinVar variation 381624 (VCV000381624.11), dbSNP rs1057521111, ClinGen allele CA16605984.

ClinVar aggregate classification (germline): Pathogenic/Likely pathogenic. Review status: criteria provided, multiple submitters, no conflicts (2 of 4 stars). 2 submissions from 2 submitters: Pathogenic (1); Likely pathogenic (1). Last evaluated 2026-08-31.

Conditions:
Multiple endocrine neoplasia, type 1 (MEN1). Also called: MEN I; WERMER SYNDROME; Endocrine adenomatosis multiple; MEN 1; MEA I. Identifiers: Orphanet 652, MedGen C0025267, MeSH D018761, MONDO:0007540, OMIM 131100.

Submissions (2):

GeneDx
Classification: Likely pathogenic. Last evaluated: 2026-08-31. Review status: criteria provided, single submitter. Criteria: GeneDx Variant Classification Process June 2021. Collection method: clinical testing. Allele origin: germline.
Comment: Observed in individuals with a personal and/or family history consistent with pathogenic variants in this gene (PMID: 9989505, 32901291, 35407574); In silico analysis supports that this missense variant has a deleterious effect on protein structure/function; Not observed at significant frequency in large population cohorts (gnomAD); This variant is associated with the following publications: (PMID: 17879353, 24756045, 17853334, 12112656, 15670192, 30820182, 35407574, 32901291, 9989505)

Labcorp Genetics (formerly Invitae), Labcorp
Classification: Pathogenic for Multiple endocrine neoplasia, type 1. Last evaluated: 2025-08-18. Review status: criteria provided, single submitter. Criteria: Invitae Variant Classification Sherloc (09022015). Collection method: clinical testing. Allele origin: germline.
Comment: This sequence change replaces cysteine, which is neutral and slightly polar, with tyrosine, which is neutral and polar, at codon 165 of the MEN1 protein (p.Cys165Tyr). This variant is not present in population databases (gnomAD no frequency). This missense change has been observed in individual(s) with clinical features of multiple endocrine neoplasia type 1 (MEN1) (PMID: 15670192, 30820182). Invitae Evidence Modeling of clinical and family history, age, sex, and reported ancestry of multiple individuals with this MEN1 variant has been performed. This variant is expected to be pathogenic with a positive predictive value of at least 99%. This is a validated machine learning model that incorporates the clinical features of 1,366,787 individuals referred to our laboratory for MEN1 testing. ClinVar contains an entry for this variant (Variation ID: 381624). Invitae Evidence Modeling of protein sequence and biophysical properties (such as structural, functional, and spatial information, amino acid conservation, physicochemical variation, residue mobility, and thermodynamic stability) indicates that this missense variant is expected to disrupt MEN1 protein function with a positive predictive value of 95%. This variant disrupts the p.Cys165 amino acid residue in MEN1. Other variant(s) that disrupt this residue have been determined to be pathogenic (PMID: 12112656, 17853334, 24756045). This suggests that this residue is clinically significant, and that variants that disrupt this residue are likely to be disease-causing. For these reasons, this variant has been classified as Pathogenic.

Literature cited by the submitters: PubMed 15670192 (cited by Labcorp Genetics (formerly Invitae), Labcorp); PubMed 30820182 (cited by Labcorp Genetics (formerly Invitae), Labcorp); PubMed 12112656 (cited by Labcorp Genetics (formerly Invitae), Labcorp); PubMed 17853334 (cited by Labcorp Genetics (formerly Invitae), Labcorp); PubMed 24756045 (cited by Labcorp Genetics (formerly Invitae), Labcorp).